The following is an entry in ClinVar:

NC_000019.10:g.56027490AG[1]

Genes: NLRP5 (NLR family pyrin domain containing 5; plus strand), LOC126862935 (BRD4-independent group 4 enhancer GRCh37_chr19:56537936-56539135; plus strand). Cytogenetic location: 19q13.43.
Variant type: Microsatellite.
Genome position: GRCh38 VCF-style: chr19-56027489-CAG-C. GRCh37 (hg19) VCF-style: chr19-56538855-CAG-C.
Identifiers: ClinVar variation 2082543 (VCV002082543.1), dbSNP rs1199743522, ClinGen allele CA634319522.
Genomic context (GRCh38, chr19:56,027,489, plus strand): 5'-TGCTCCCTGAGTCCTTCCTGATCGTCACCGTCAGAGACGTGGGCACAGAGAAGCTCAAGT[CAG>C]AGGTCGTGTCTCCCCGTTACCTGTTAGTTAGAGGAATCTCCGGGGAACAAAGAATCCACT-3'

ClinVar aggregate classification (germline): Pathogenic (1 of 4 stars; one submission).

Submission:

Labcorp Genetics (formerly Invitae), Labcorp
Classification: Pathogenic. Last evaluated: 2022-07-05. Review status: criteria provided, single submitter. Criteria: Invitae Variant Classification Sherloc (09022015). Collection method: clinical testing. Allele origin: germline.
Comment: This sequence change creates a premature translational stop signal (p.Glu420Glyfs*10) in the NLRP5 gene. It is expected to result in an absent or disrupted protein product. Loss-of-function variants in NLRP5 are known to be pathogenic (PMID: 11062459, 30877238, 32172300). This variant is present in population databases (no rsID available, gnomAD 0.0009%). This variant has not been reported in the literature in individuals affected with NLRP5-related conditions. For these reasons, this variant has been classified as Pathogenic.

Literature cited by the submitters: PubMed 11062459; PubMed 30877238; PubMed 32172300.